The following is an entry in ClinVar:

NM_001170535.3(ATAD3A):c.1217T>G (p.Leu406Arg)

Gene: ATAD3A (ATPase family AAA domain containing 3A; plus strand). Cytogenetic location: 1p36.33.
Variant type: single nucleotide variant.
Coding change: c.1217T>G on transcript NM_001170535.3 (MANE Select); coding-DNA position 1217, T replaced by G.
Protein change: p.Leu406Arg; replaces leucine 406 with arginine.
Molecular consequence: missense variant.
Genome position (GRCh38, 1-based): chr1:1,525,242, T>G. VCF-style: chr1-1525242-T-G. GRCh37 (hg19) VCF-style: chr1-1460622-T-G.
Other names: c.980T>G, p.Leu327Arg (NM_001170536.3); c.1361T>G, p.Leu454Arg (NM_018188.5); short protein forms L406R, L454R, L327R.
Identifiers: ClinVar variation 637018 (VCV000637018.5), dbSNP rs1570345942, ClinGen allele CA337858301.

ClinVar aggregate classification (germline): Pathogenic. Review status: criteria provided, single submitter (1 of 4 stars). 2 submissions from 2 submitters: Pathogenic (1). 1 of the submissions does not count toward it. Last evaluated 2019-05-30.

Conditions:
Isolated cerebellar hypoplasia/agenesis (CHEGDD). Also called: Cerebellar hypoplasia/atrophy, epilepsy, and global developmental delay. Identifiers: Orphanet 1398, Orphanet 2246, MedGen C5231391, MONDO:0008939, OMIM 213000.
Pontocerebellar hypoplasia, hypotonia, and respiratory insufficiency syndrome, neonatal lethal. Also called: PHRINL SYNDROME. Identifiers: Orphanet 615954, MedGen C5394137, MONDO:0032931, OMIM 618810.

Submissions (2):

Mitochondrial Disorders Lab i+12, Hospital Universitario 12 de Octubre
Classification: Pathogenic. Last evaluated: 2019-05-30. Review status: criteria provided, single submitter. Criteria: ACMG Guidelines, 2015. Collection method: research. Allele origin: not applicable. Inheritance: Autosomal recessive inheritance.
Comment: This is a novel recessive variant in the ATAD3A gene. The InterVar tool using ACMG-AMP guidelines classified this variant as likely pathogenic. Family segregation, absence in population databases, and functional evidences in patient's derived cultured cells suggest the variant is pathogenic.

OMIM
Classification: Pathogenic for PONTOCEREBELLAR HYPOPLASIA, HYPOTONIA, AND RESPIRATORY INSUFFICIENCY SYNDROME, NEONATAL LETHAL. Last evaluated: 2020-05-28. Review status: no assertion criteria provided. Collection method: literature only. Allele origin: germline. Not counted in ClinVar's aggregate classification.

Literature cited by the submitters: PubMed 31727539 (cited by Mitochondrial Disorders Lab i+12, Hospital Universitario 12 de Octubre and OMIM).